The following is an entry in ClinVar:

NM_000492.4(CFTR):c.1801del (p.Ile601fs)

Gene: CFTR (CF transmembrane conductance regulator; plus strand). Cytogenetic location: 7q31.2.
Variant type: Deletion.
Coding change: c.1801del on transcript NM_000492.4 (MANE Select); coding-DNA position 1801, one base deleted (A; older notation c.1801delA).
Protein change: p.Ile601fs; shifts the reading frame from isoleucine 601.
Molecular consequence: frameshift variant.
Genome position (GRCh38, 1-based): chr7:117,591,968, A deleted. VCF-style (leftmost placement, unchanged base first): chr7-117591967-GA-G. GRCh37 (hg19) VCF-style: chr7-117232021-GA-G.
Other names: short protein forms I601fs.
Identifiers: ClinVar variation 928746 (VCV000928746.2), dbSNP rs1792031758, ClinGen allele CA1139660229.

ClinVar aggregate classification (germline): Likely pathogenic. Review status: criteria provided, single submitter (1 of 4 stars). 2 submissions from 2 submitters: Likely pathogenic (1). 1 of the submissions does not count toward it. Last evaluated 2019-09-17.

Conditions:
Cystic fibrosis (CF). Also called: MUCOVISCIDOSIS. Identifiers: Orphanet 586, MedGen C0010674, MONDO:0009061, OMIM 219700. Disease mechanism: loss of function.
CFTR-related disorder (CFTR-RD). Also called: CFTR-related disorders; CFTR-related condition. Identifiers: MedGen C5924204, MONDO:7770004.

Submissions (2):

Women's Health and Genetics/Laboratory Corporation of America, LabCorp
Classification: Likely pathogenic for Cystic fibrosis. Last evaluated: 2019-09-17. Review status: criteria provided, single submitter. Criteria: LabCorp Variant Classification Summary - May 2015. Collection method: clinical testing. Allele origin: germline.
Comment: Variant summary: CFTR c.1801delA (p.Ile601PhefsX10) results in a premature termination codon, predicted to cause a truncation of the encoded protein or absence of the protein due to nonsense mediated decay, which are commonly known mechanisms for disease. Truncations downstream of this position have been classified as pathogenic by our laboratory. The variant was absent in 233316 control chromosomes (gnomAD). To our knowledge, no occurrence of c.1801delA in individuals affected with Cystic Fibrosis and no experimental evidence demonstrating its impact on protein function have been reported. No clinical diagnostic laboratories have submitted clinical-significance assessments for this variant to ClinVar after 2014. Based on the evidence outlined above, the variant was classified as likely pathogenic.

Natera, Inc.
Classification: Likely pathogenic for CFTR-related disorders. Last evaluated: 2019-07-01. Review status: no assertion criteria provided. Collection method: clinical testing. Allele origin: germline. Not counted in ClinVar's aggregate classification.